The following is an entry in ClinVar:

NM_000038.6(APC):c.2438A>T (p.Asn813Ile)

Gene: APC (APC regulator of Wnt signaling pathway; plus strand). Cytogenetic location: 5q22.2.
Variant type: single nucleotide variant.
Coding change: c.2438A>T on transcript NM_000038.6 (MANE Select); coding-DNA position 2438, A replaced by T.
Protein change: p.Asn813Ile; replaces asparagine 813 with isoleucine.
Molecular consequence: missense variant.
Genome position (GRCh38, 1-based): chr5:112,838,032, A>T. VCF-style: chr5-112838032-A-T. GRCh37 (hg19) VCF-style: chr5-112173729-A-T.
Other names: c.2438A>T, p.Asn813Ile (NM_001127510.3, NM_001354895.2); c.2384A>T, p.Asn795Ile (NM_001127511.3); c.2492A>T, p.Asn831Ile (NM_001354896.2); c.2468A>T, p.Asn823Ile (NM_001354897.2); c.2363A>T, p.Asn788Ile (NM_001354898.2); c.2354A>T, p.Asn785Ile (NM_001354899.2); c.2315A>T, p.Asn772Ile (NM_001354900.2); c.2261A>T, p.Asn754Ile (NM_001354901.2); and 5 more; short protein forms N813I, N795I, N653I, N687I, N785I, N823I, N530I, N712I.
Identifiers: ClinVar variation 537444 (VCV000537444.18), dbSNP rs201522866, ClinGen allele CA16026689.

ClinVar aggregate classification (germline): Uncertain significance. Review status: criteria provided, multiple submitters, no conflicts (2 of 4 stars). 3 submissions from 3 submitters: Uncertain significance (3). Last evaluated 2026-01-12.

Conditions:
Hereditary cancer-predisposing syndrome. Also called: Tumor predisposition; Hereditary Cancer Syndrome; Hereditary neoplastic syndrome; Neoplastic Syndromes, Hereditary. Identifiers: Orphanet 140162, MedGen C0027672, MeSH D009386, MONDO:0015356.
Familial adenomatous polyposis 1 (FAP1). Also called: FAMILIAL ADENOMATOUS POLYPOSIS 1, ATTENUATED; POLYPOSIS, ADENOMATOUS INTESTINAL. Identifiers: MedGen C2713442, MONDO:0021056, OMIM 175100. Disease mechanism: loss of function.

Submissions (3):

Labcorp Genetics (formerly Invitae), Labcorp
Classification: Uncertain significance for Familial adenomatous polyposis 1. Last evaluated: 2026-01-12. Review status: criteria provided, single submitter. Criteria: Invitae Variant Classification Sherloc (09022015). Collection method: clinical testing. Allele origin: germline.
Comment: This sequence change replaces asparagine, which is neutral and polar, with isoleucine, which is neutral and non-polar, at codon 813 of the APC protein (p.Asn813Ile). This variant is not present in population databases (gnomAD no frequency). This variant has not been reported in the literature in individuals affected with APC-related conditions. ClinVar contains an entry for this variant (Variation ID: 537444). Invitae Evidence Modeling of protein sequence and biophysical properties (such as structural, functional, and spatial information, amino acid conservation, physicochemical variation, residue mobility, and thermodynamic stability) indicates that this missense variant is not expected to disrupt APC protein function with a negative predictive value of 95%. In summary, the available evidence is currently insufficient to determine the role of this variant in disease. Therefore, it has been classified as a Variant of Uncertain Significance.

GeneDx
Classification: Uncertain significance. Last evaluated: 2025-02-23. Review status: criteria provided, single submitter. Criteria: GeneDx Variant Classification Process June 2021. Collection method: clinical testing. Allele origin: germline. Affected: yes.
Comment: Not observed at significant frequency in large population cohorts (gnomAD); In silico analysis supports that this missense variant has a deleterious effect on protein structure/function; Has not been previously published as pathogenic or benign to our knowledge

Ambry Genetics
Classification: Uncertain significance for Hereditary cancer-predisposing syndrome. Last evaluated: 2023-04-06. Review status: criteria provided, single submitter. Criteria: Ambry Variant Classification Scheme 2023. Collection method: clinical testing. Allele origin: germline.
Comment: The p.N813I variant (also known as c.2438A>T), located in coding exon 15 of the APC gene, results from an A to T substitution at nucleotide position 2438. The asparagine at codon 813 is replaced by isoleucine, an amino acid with dissimilar properties. This amino acid position is not well conserved in available vertebrate species. In addition, in silico predictors for this gene do not accurately predict pathogenicity. Since supporting evidence is limited at this time, the clinical significance of this alteration remains unclear.